The following is an entry in ClinVar:

ClinVar aggregate classification (germline): Uncertain significance (1 of 4 stars; one submission).

Submission:

Labcorp Genetics (formerly Invitae), Labcorp
Classification: Uncertain significance. Last evaluated: 2023-06-27. Review status: criteria provided, single submitter. Criteria: Invitae Variant Classification Sherloc (09022015). Collection method: clinical testing. Allele origin: germline.
Comment: Advanced modeling of protein sequence and biophysical properties (such as structural, functional, and spatial information, amino acid conservation, physicochemical variation, residue mobility, and thermodynamic stability) performed at Invitae indicates that this missense variant is not expected to disrupt GRIN2D protein function. In summary, the available evidence is currently insufficient to determine the role of this variant in disease. Therefore, it has been classified as a Variant of Uncertain Significance. This variant has not been reported in the literature in individuals affected with GRIN2D-related conditions. The frequency data for this variant in the population databases is considered unreliable, as metrics indicate insufficient coverage at this position in the gnomAD database. This sequence change replaces aspartic acid, which is acidic and polar, with glycine, which is neutral and non-polar, at codon 1203 of the GRIN2D protein (p.Asp1203Gly).

NM_000836.4(GRIN2D):c.3608A>G (p.Asp1203Gly)

Gene: GRIN2D (glutamate ionotropic receptor NMDA type subunit 2D; plus strand). Cytogenetic location: 19q13.33.
Variant type: single nucleotide variant.
Coding change: c.3608A>G on transcript NM_000836.4 (MANE Select); coding-DNA position 3608, A replaced by G.
Protein change: p.Asp1203Gly; replaces aspartic acid 1203 with glycine.
Molecular consequence: missense variant.
Genome position (GRCh38, 1-based): chr19:48,443,534, A>G. VCF-style: chr19-48443534-A-G. GRCh37 (hg19) VCF-style: chr19-48946791-A-G.
Other names: short protein forms D1203G.
Identifiers: ClinVar variation 2848919 (VCV002848919.3), dbSNP rs2513693664, ClinGen allele CA406677096.
Genomic context (GRCh38, chr19:48,443,534, plus strand): 5'-GCGCCAGCCTGGAGCTGCTGCCGCCGCCGCGCCATCTCAGCTGCTCGCACGATGGCCTGG[A>G]CGGCGGCTGGTGGGCGCCACCGCCTCCACCCTGGGCCGCCGGGCCCCTGCCCCGACGCCG-3'
Protein context (NP_000827.2, residues 1193-1213): RHLSCSHDGL[Asp1203Gly]GGWWAPPPPP